The following is an entry in ClinVar:

ClinVar aggregate classification (germline): Uncertain significance (1 of 4 stars; one submission).

Allele frequency attached by ClinVar (database versions not stated): gnomAD 0.00001.
gnomAD v4.1: 1 of 1,613,984 alleles (0.000062%); highest among the groups gnomAD compares: East Asian, 0.0022%; no homozygotes.

Submission:

Ambry Genetics
Classification: Uncertain significance. Last evaluated: 2021-10-29. Review status: criteria provided, single submitter. Criteria: Ambry Variant Classification Scheme 2023. Collection method: clinical testing. Allele origin: germline.
Comment: The p.Q1355R variant (also known as c.4064A>G), located in coding exon 16 of the POLQ gene, results from an A to G substitution at nucleotide position 4064. The glutamine at codon 1355 is replaced by arginine, an amino acid with highly similar properties. This amino acid position is conserved. In addition, this alteration is predicted to be tolerated by in silico analysis. Since supporting evidence is limited at this time, the clinical significance of this alteration remains unclear.

NM_199420.4(POLQ):c.4064A>G (p.Gln1355Arg)

Gene: POLQ (DNA polymerase theta; minus strand). Cytogenetic location: 3q13.33.
Variant type: single nucleotide variant.
Coding change: c.4064A>G on transcript NM_199420.4 (MANE Select); coding-DNA position 4064, A replaced by G.
Protein change: p.Gln1355Arg; replaces glutamine 1355 with arginine.
Molecular consequence: missense variant.
Genome position (GRCh38, 1-based): chr3:121,488,867, T>C on the plus strand (A>G on the coding strand, the complement: POLQ is on the minus strand). VCF-style: chr3-121488867-T-C. GRCh37 (hg19) VCF-style: chr3-121207714-T-C.
Other names: short protein forms Q1355R.
Identifiers: ClinVar variation 1737493 (VCV001737493.2), dbSNP rs1244051399, ClinGen allele CA354096312.